The following is an entry in ClinVar:

NM_006734.4(HIVEP2):c.7168C>A (p.His2390Asn)

Gene: HIVEP2 (HIVEP zinc finger 2; minus strand). Cytogenetic location: 6q24.2.
Variant type: single nucleotide variant.
Coding change: c.7168C>A on transcript NM_006734.4 (MANE Select); coding-DNA position 7168, C replaced by A.
Protein change: p.His2390Asn; replaces histidine 2390 with asparagine.
Molecular consequence: missense variant.
Genome position (GRCh38, 1-based): chr6:142,753,280, G>T on the plus strand (C>A on the coding strand, the complement: HIVEP2 is on the minus strand). VCF-style: chr6-142753280-G-T. GRCh37 (hg19) VCF-style: chr6-143074417-G-T.
Other names: c.7168C>A (NM_006734.3); short protein forms H2390N.
Identifiers: ClinVar variation 2812644 (VCV002812644.4), dbSNP rs1365441202, ClinGen allele CA365940920.

ClinVar aggregate classification (germline): Uncertain significance. Review status: criteria provided, multiple submitters, no conflicts (2 of 4 stars). 2 submissions from 2 submitters: Uncertain significance (2). Last evaluated 2025-06-09.

Allele frequency attached by ClinVar (database versions not stated): TOPMed below 0.00001.

Submissions (2):

Labcorp Genetics (formerly Invitae), Labcorp
Classification: Uncertain significance. Last evaluated: 2025-06-09. Review status: criteria provided, single submitter. Criteria: Invitae Variant Classification Sherloc (09022015). Collection method: clinical testing. Allele origin: germline.
Comment: This sequence change replaces histidine, which is basic and polar, with asparagine, which is neutral and polar, at codon 2390 of the HIVEP2 protein (p.His2390Asn). This variant is not present in population databases (gnomAD no frequency). This variant has not been reported in the literature in individuals affected with HIVEP2-related conditions. ClinVar contains an entry for this variant (Variation ID: 2812644). An algorithm developed to predict the effect of missense changes on protein structure and function (PolyPhen-2) suggests that this variant is likely to be tolerated. In summary, the available evidence is currently insufficient to determine the role of this variant in disease. Therefore, it has been classified as a Variant of Uncertain Significance.

GeneDx
Classification: Uncertain significance. Last evaluated: 2025-03-06. Review status: criteria provided, single submitter. Criteria: GeneDx Variant Classification Process June 2021. Collection method: clinical testing. Allele origin: germline. Affected: yes.
Comment: Not observed at significant frequency in large population cohorts (gnomAD); In silico analysis indicates that this missense variant does not alter protein structure/function; Has not been previously published as pathogenic or benign to our knowledge